The following is an entry in ClinVar:

ClinVar aggregate classification (germline): Uncertain significance (1 of 4 stars; one submission).

gnomAD v4.1: 2 of 1,550,424 alleles (0.00013%); highest among the groups gnomAD compares: South Asian, 0.0024%; no homozygotes.

Submission:

GeneDx
Classification: Uncertain significance. Last evaluated: 2026-03-12. Review status: criteria provided, single submitter. Criteria: GeneDx Variant Classification Process June 2021. Collection method: clinical testing. Allele origin: germline.
Comment: In silico analysis supports that this missense variant has a deleterious effect on protein structure/function; Has not been previously published as pathogenic or benign to our knowledge

NM_001852.4(COL9A2):c.1112A>G (p.Glu371Gly)

Gene: COL9A2 (collagen type IX alpha 2 chain; minus strand). Cytogenetic location: 1p34.2.
Variant type: single nucleotide variant.
Coding change: c.1112A>G on transcript NM_001852.4 (MANE Select); coding-DNA position 1112, A replaced by G.
Protein change: p.Glu371Gly; replaces glutamic acid 371 with glycine.
Molecular consequence: missense variant.
Genome position (GRCh38, 1-based): chr1:40,304,843, T>C on the plus strand (A>G on the coding strand, the complement: COL9A2 is on the minus strand). VCF-style: chr1-40304843-T-C. GRCh37 (hg19) VCF-style: chr1-40770515-T-C.
Other names: short protein forms E371G.
Identifiers: ClinVar variation 5009033 (VCV005009033.1).